The following is an entry in ClinVar:

NM_000271.5(NPC1):c.2796-4C>T

Gene: NPC1 (NPC intracellular cholesterol transporter 1; minus strand). Cytogenetic location: 18q11.2.
Variant type: single nucleotide variant.
Coding change: c.2796-4C>T on transcript NM_000271.5 (MANE Select); 4 bases into the intron before coding-DNA position 2796, C replaced by T.
Molecular consequence: intron variant.
Genome position (GRCh38, 1-based): chr18:23,539,474, G>A on the plus strand (C>T on the coding strand, the complement: NPC1 is on the minus strand). VCF-style: chr18-23539474-G-A. GRCh37 (hg19) VCF-style: chr18-21119438-G-A.
Other names: c.2796-4C>T (NM_000271.4).
Identifiers: ClinVar variation 1594348 (VCV001594348.9), dbSNP rs374406578, ClinGen allele CA8912955.
Genomic context (GRCh38, chr18:23,539,474, plus strand): 5'-TTCACCCAGTCGAAATAATCGTCGATCCAGGACGAGGGGGCGAAGCCTATTCGGGTACTA[G>A]AGAGGACAGACAGGGTTACTGACCTGCTCCACAGGGAGGAAGTCTTTAGTTTCAGTACTT-3'

ClinVar aggregate classification (germline): Likely benign. Review status: criteria provided, multiple submitters, no conflicts (2 of 4 stars). 2 submissions from 2 submitters: Likely benign (2). Last evaluated 2025-07-29.

Conditions:
Niemann-Pick disease, type C1. Also called: NEUROVISCERAL STORAGE DISEASE WITH VERTICAL SUPRANUCLEAR OPHTHALMOPLEGIA; NIEMANN-PICK DISEASE WITH CHOLESTEROL ESTERIFICATION BLOCK; NIEMANN-PICK DISEASE WITHOUT SPHINGOMYELINASE DEFICIENCY; NIEMANN-PICK DISEASE, CHRONIC NEURONOPATHIC FORM; NIEMANN-PICK DISEASE, VARIANT TYPE C1. Identifiers: Orphanet 646, MedGen C3179455, MONDO:0009757, OMIM 257220.
NPC1-related disorder. Also called: NPC1-related condition.

Allele frequency attached by ClinVar (database versions not stated): ExAC 0.00001; TOPMed 0.00002; gnomAD 0.00003; ESP Exome Variant Server 0.00008.
gnomAD v4.1: 7 of 1,601,498 alleles (0.00044%); highest among the groups gnomAD compares: African/African-American, 0.0094%; no homozygotes.

Submissions (2):

PreventionGenetics, part of Exact Sciences
Classification: Likely benign for NPC1-related condition. Last evaluated: 2025-07-29. Review status: criteria provided, single submitter. Criteria: ACMG Guidelines, 2015. Collection method: clinical testing. Allele origin: germline.
Comment: This variant is classified as likely benign based on ACMG/AMP sequence variant interpretation guidelines (Richards et al. 2015 PMID: 25741868, with internal and published modifications).

Labcorp Genetics (formerly Invitae), Labcorp
Classification: Likely benign for Niemann-Pick disease, type C1. Last evaluated: 2024-04-30. Review status: criteria provided, single submitter. Criteria: Invitae Variant Classification Sherloc (09022015). Collection method: clinical testing. Allele origin: germline.